The following is an entry in ClinVar:

NM_003153.5(STAT6):c.866T>A (p.Phe289Tyr)

Gene: STAT6 (signal transducer and activator of transcription 6; minus strand). Cytogenetic location: 12q13.3.
Variant type: single nucleotide variant.
Coding change: c.866T>A on transcript NM_003153.5 (MANE Select); coding-DNA position 866, T replaced by A.
Protein change: p.Phe289Tyr; replaces phenylalanine 289 with tyrosine.
Molecular consequence: missense variant. On other transcripts: non-coding transcript variant (1).
Genome position (GRCh38, 1-based): chr12:57,105,286, A>T on the plus strand (T>A on the coding strand, the complement: STAT6 is on the minus strand). VCF-style: chr12-57105286-A-T. GRCh37 (hg19) VCF-style: chr12-57499069-A-T.
Other names: c.866T>A, p.Phe289Tyr (NM_001178078.2, NM_001178079.2); c.536T>A, p.Phe179Tyr (NM_001178080.2, NM_001178081.2); short protein forms F179Y, F289Y.
Identifiers: ClinVar variation 4291806 (VCV004291806.1).

ClinVar aggregate classification (germline): Uncertain significance (1 of 4 stars; one submission).

Conditions:
Hyper-IgE syndrome 6, autosomal dominant, with recurrent infections (HIES6). Identifiers: MedGen C5848786, MONDO:0957807, OMIM 620532.

Submission:

3billion
Classification: Uncertain significance for Hyper-IgE syndrome 6, autosomal dominant, with recurrent infections. Last evaluated: 2025-02-07. Review status: criteria provided, single submitter. Criteria: ACMG Guidelines, 2015. Collection method: clinical testing. Allele origin: germline. Affected: yes.
Comment: The variant is not observed in the gnomAD v4.1.0 dataset. Predicted Consequence/Location: Missense variant. Missense changes are a common disease-causing mechanism. In silico tool predictions suggest damaging effect of the variant on gene or gene product [REVEL: 0.83 (>=0.6, sensitivity 0.68 and specificity 0.92)]. Therefore, this variant is classified as VUS according to the recommendation of ACMG/AMP guideline.